The following is an entry in ClinVar:

NM_017763.6(RNF43):c.2099T>A (p.Ile700Asn)

Gene: RNF43 (ring finger protein 43; minus strand). Cytogenetic location: 17q22.
Variant type: single nucleotide variant.
Coding change: c.2099T>A on transcript NM_017763.6 (MANE Select); coding-DNA position 2099, T replaced by A.
Protein change: p.Ile700Asn; replaces isoleucine 700 with asparagine.
Molecular consequence: missense variant.
Genome position (GRCh38, 1-based): chr17:58,357,677, A>T on the plus strand (T>A on the coding strand, the complement: RNF43 is on the minus strand). VCF-style: chr17-58357677-A-T. GRCh37 (hg19) VCF-style: chr17-56435038-A-T.
Other names: c.2099T>A, p.Ile700Asn (NM_001305544.3, NM_001438820.1, NM_001438821.1 and 1 more transcripts); c.1718T>A, p.Ile573Asn (NM_001305545.2, NM_001437987.1); short protein forms I700N, I573N.
Identifiers: ClinVar variation 4155800 (VCV004155800.1).

ClinVar aggregate classification (germline): Uncertain significance (1 of 4 stars; one submission).

Submission:

Ambry Genetics
Classification: Uncertain significance. Last evaluated: 2025-08-29. Review status: criteria provided, single submitter. Criteria: Ambry Variant Classification Scheme 2023. Collection method: clinical testing. Allele origin: germline.
Comment: The p.I700N variant (also known as c.2099T>A), located in coding exon 8 of the RNF43 gene, results from a T to A substitution at nucleotide position 2099. The isoleucine at codon 700 is replaced by asparagine, an amino acid with dissimilar properties. This amino acid position is conserved. In addition, this alteration is predicted to be tolerated by in silico analysis. Based on the available evidence, the clinical significance of this variant remains unclear.